The following is an entry in ClinVar:

ClinVar aggregate classification (germline): Uncertain significance. Review status: criteria provided, multiple submitters, no conflicts (2 of 4 stars). 3 submissions from 3 submitters: Uncertain significance (3). Last evaluated 2026-03-31.

Conditions:
Inborn genetic diseases. Identifiers: MedGen C0950123, MeSH D030342.

Allele frequency attached by ClinVar (database versions not stated): gnomAD exomes below 0.00001 and 0.00001; ExAC 0.00002; TOPMed 0.00003.
gnomAD v4.1: 18 of 1,614,210 alleles (0.0011%); highest among the groups gnomAD compares: Non-Finnish European, 0.0014%; no homozygotes.

Submissions (3):

Ambry Genetics
Classification: Uncertain significance for Inborn genetic diseases. Last evaluated: 2026-03-31. Review status: criteria provided, single submitter. Criteria: Ambry Variant Classification Scheme 2023. Collection method: clinical testing. Allele origin: germline.

Labcorp Genetics (formerly Invitae), Labcorp
Classification: Uncertain significance. Last evaluated: 2025-04-28. Review status: criteria provided, single submitter. Criteria: Invitae Variant Classification Sherloc (09022015). Collection method: clinical testing. Allele origin: germline.
Comment: This sequence change replaces methionine, which is neutral and non-polar, with valine, which is neutral and non-polar, at codon 479 of the RP1 protein (p.Met479Val). This variant is present in population databases (rs760158770, gnomAD 0.0009%). This variant has not been reported in the literature in individuals affected with RP1-related conditions. ClinVar contains an entry for this variant (Variation ID: 867205). An algorithm developed to predict the effect of missense changes on protein structure and function (PolyPhen-2) suggests that this variant is likely to be tolerated. In summary, the available evidence is currently insufficient to determine the role of this variant in disease. Therefore, it has been classified as a Variant of Uncertain Significance.

Blueprint Genetics
Classification: Uncertain significance. Last evaluated: 2022-01-18. Review status: criteria provided, single submitter. Criteria: ACMG Guidelines, 2015. Collection method: clinical testing. Allele origin: germline.

NM_006269.2(RP1):c.1435A>G (p.Met479Val)

Gene: RP1 (RP1 axonemal microtubule associated; plus strand). Cytogenetic location: 8q12.1.
Variant type: single nucleotide variant.
Coding change: c.1435A>G on transcript NM_006269.2 (MANE Select); coding-DNA position 1435, A replaced by G.
Protein change: p.Met479Val; replaces methionine 479 with valine.
Molecular consequence: missense variant. On other transcripts: intron variant (1).
Genome position (GRCh38, 1-based): chr8:54,625,317, A>G. VCF-style: chr8-54625317-A-G. GRCh37 (hg19) VCF-style: chr8-55537877-A-G.
Other names: c.787+3029A>G (NM_001375654.1); short protein forms M479V.
Identifiers: ClinVar variation 867205 (VCV000867205.13), dbSNP rs760158770, ClinGen allele CA4751374.
Genomic context (GRCh38, chr8:54,625,317, plus strand): 5'-CAAAAGAAATCTGTGATTGGCAGTGTGACCTTAGTATCTGAAACTGAGGTTCAAGAGAAA[A>G]TGATTGGACAGTTTTCATATAGTGAAGAAAGGGAAAGTGGGGAAAACAAGTCTGAGTATC-3'
Protein context (NP_006260.1, residues 469-489): LVSETEVQEK[Met479Val]IGQFSYSEER